The following is an entry in ClinVar:

ClinVar aggregate classification (germline): Benign/Likely benign. Review status: criteria provided, multiple submitters, no conflicts (2 of 4 stars). 4 submissions from 4 submitters: Benign (1); Likely benign (3). Last evaluated 2026-01-31.

Conditions:
Nemaline myopathy 2 (NEM2). Also called: Nemaline myopathy 2, autosomal recessive. Identifiers: MedGen C1850569, MONDO:0009725, OMIM 256030.

Allele frequency attached by ClinVar (database versions not stated): 1000 Genomes Project 0.00519; gnomAD exomes 0.00026 and 0.00068; ExAC 0.00123; ESP Exome Variant Server 0.00136; gnomAD 0.00260 and 0.00277; TOPMed 0.00300; 1000 Genomes Project 30x 0.00500.
gnomAD v4.1: 756 of 1,544,422 alleles (0.049%); highest among the groups gnomAD compares: African/African-American, 0.94%; 6 homozygotes.

Submissions (4):

Labcorp Genetics (formerly Invitae), Labcorp
Classification: Benign for Nemaline myopathy 2. Last evaluated: 2026-01-31. Review status: criteria provided, single submitter. Criteria: Invitae Variant Classification Sherloc (09022015). Collection method: clinical testing. Allele origin: germline.

Blueprint Genetics
Classification: Likely benign. Last evaluated: 2024-10-22. Review status: criteria provided, single submitter. Criteria: ACMG Guidelines, 2015. Collection method: clinical testing. Allele origin: germline.

Illumina Laboratory Services, Illumina
Classification: Likely benign for Nemaline myopathy 2. Last evaluated: 2018-01-13. Review status: criteria provided, single submitter. Criteria: ICSL Variant Classification Criteria 13 December 2019. Collection method: clinical testing. Allele origin: germline.
Comment: This variant was observed in the ICSL laboratory as part of a predisposition screen in an ostensibly healthy population. It had not been previously curated by ICSL or reported in the Human Gene Mutation Database (HGMD: prior to June 1st, 2018), and was therefore a candidate for classification through an automated scoring system. Utilizing variant allele frequency, disease prevalence and penetrance estimates, and inheritance mode, an automated score was calculated to assess if this variant is too frequent to cause the disease. Based on the score and internal cut-off values, a variant classified as likely benign is not then subjected to further curation. The score for this variant resulted in a classification of likely benign for this disease.

GeneDx
Classification: Likely benign. Last evaluated: 2017-06-16. Review status: criteria provided, single submitter. Criteria: GeneDx Variant Classification (06012015). Collection method: clinical testing. Allele origin: germline. Affected: yes.
Comment: This variant is considered likely benign or benign based on one or more of the following criteria: it is a conservative change, it occurs at a poorly conserved position in the protein, it is predicted to be benign by multiple in silico algorithms, and/or has population frequency not consistent with disease.

NM_001164508.2(NEB):c.5032-15T>C

Gene: NEB (nebulin; minus strand). Cytogenetic location: 2q23.3.
Variant type: single nucleotide variant.
Coding change: c.5032-15T>C on transcript NM_001164508.2 (MANE Select); 15 bases into the intron before coding-DNA position 5032, T replaced by C.
Molecular consequence: intron variant.
Genome position (GRCh38, 1-based): chr2:151,665,554, A>G on the plus strand (T>C on the coding strand, the complement: NEB is on the minus strand). VCF-style: chr2-151665554-A-G. GRCh37 (hg19) VCF-style: chr2-152522068-A-G.
Other names: c.5032-15T>C (NM_004543.5, NM_001164507.2, NM_001271208.2).
Identifiers: ClinVar variation 384489 (VCV000384489.13), dbSNP rs201180226, ClinGen allele CA1910467.